The following is an entry in ClinVar:

NM_020791.4(TAOK1):c.2054A>C (p.Glu685Ala)

Gene: TAOK1 (TAO kinase 1; plus strand). Cytogenetic location: 17q11.2.
Variant type: single nucleotide variant.
Coding change: c.2054A>C on transcript NM_020791.4 (MANE Select); coding-DNA position 2054, A replaced by C.
Protein change: p.Glu685Ala; replaces glutamic acid 685 with alanine.
Molecular consequence: missense variant. On other transcripts: intron variant (1).
Genome position (GRCh38, 1-based): chr17:29,522,425, A>C. VCF-style: chr17-29522425-A-C. GRCh37 (hg19) VCF-style: chr17-27849443-A-C.
Other names: c.1705-7982A>C (NM_025142.1); short protein forms E685A.
Identifiers: ClinVar variation 1698223 (VCV001698223.2), dbSNP rs2150767545, ClinGen allele CA398911360.
Genomic context (GRCh38, chr17:29,522,425, plus strand): 5'-GCCACCTCAACACAATTCAGAAGATGCGCTGTGAGTTGATCAGATTACAGCATCAAACTG[A>C]GCTCACTAACCAGCTGGAATATAATAAGCGAAGAGAACGAGAACTAAGACGAAAGCATGT-3'
Protein context (NP_065842.1, residues 675-695): CELIRLQHQT[Glu685Ala]LTNQLEYNKR

ClinVar aggregate classification (germline): Uncertain significance (1 of 4 stars; one submission).

Submission:

GeneDx
Classification: Uncertain significance. Last evaluated: 2022-01-21. Review status: criteria provided, single submitter. Criteria: GeneDx Variant Classification Process June 2021. Collection method: clinical testing. Allele origin: germline. Affected: yes.
Comment: Not observed at significant frequency in large population cohorts (gnomAD); In silico analysis supports that this missense variant has a deleterious effect on protein structure/function; Has not been previously published as pathogenic or benign to our knowledge